The following is an entry in ClinVar:

ClinVar aggregate classification (germline): Benign (1 of 4 stars; one submission).

Allele frequency attached by ClinVar (database versions not stated): 1000 Genomes Project 0.00439; 1000 Genomes Project 30x 0.00468; ESP Exome Variant Server 0.00900; ExAC 0.00931; gnomAD 0.00956; TOPMed 0.01009; gnomAD exomes 0.01114.
gnomAD v4.1: 17,757 of 1,612,368 alleles (1.1%); highest among the groups gnomAD compares: Non-Finnish European, 1.3%; 123 homozygotes.

Submission:

CeGaT Center for Human Genetics Tuebingen
Classification: Benign. Last evaluated: 2026-07-01. Review status: criteria provided, single submitter. Criteria: CeGaT Center For Human Genetics Tuebingen Variant Classification Criteria Version 2. Collection method: clinical testing. Allele origin: germline. Affected: yes. Observed: 2 variant alleles.
Comment: GHRHR: BP4, BS1, BS2

NM_000823.4(GHRHR):c.269-26G>T

Gene: GHRHR (growth hormone releasing hormone receptor; plus strand). Cytogenetic location: 7p14.3.
Variant type: single nucleotide variant.
Coding change: c.269-26G>T on transcript NM_000823.4 (MANE Select); 26 bases into the intron before coding-DNA position 269, G replaced by T.
Molecular consequence: intron variant.
Genome position (GRCh38, 1-based): chr7:30,969,841, G>T. VCF-style: chr7-30969841-G-T. GRCh37 (hg19) VCF-style: chr7-31009456-G-T.
Identifiers: ClinVar variation 2657376 (VCV002657376.24), dbSNP rs4988497, ClinGen allele CA4208472.